The following is an entry in ClinVar:

NM_001111125.3(IQSEC2):c.2777G>A (p.Arg926Gln)

Gene: IQSEC2 (IQ motif and Sec7 domain ArfGEF 2; minus strand). Cytogenetic location: Xp11.22.
Variant type: single nucleotide variant.
Coding change: c.2777G>A on transcript NM_001111125.3 (MANE Select); coding-DNA position 2777, G replaced by A.
Protein change: p.Arg926Gln; replaces arginine 926 with glutamine.
Molecular consequence: missense variant.
Genome position (GRCh38, 1-based): chrX:53,243,444, C>T on the plus strand (G>A on the coding strand, the complement: IQSEC2 is on the minus strand). VCF-style: chrX-53243444-C-T. GRCh37 (hg19) VCF-style: chrX-53272626-C-T.
Other names: c.2162G>A, p.Arg721Gln (NM_015075.2); short protein forms R926Q, R721Q.
Identifiers: ClinVar variation 538608 (VCV000538608.46), dbSNP rs1556861372, ClinGen allele CA413154271.

ClinVar aggregate classification (germline): Conflicting classifications of pathogenicity. Review status: criteria provided, conflicting classifications (1 of 4 stars). 5 submissions from 5 submitters: Uncertain significance (4); Likely benign (1). Last evaluated 2024-02-16.

Conditions:
Intellectual developmental disorder, X-linked 1. Also called: MENTAL RETARDATION, X-LINKED 18; MENTAL RETARDATION, X-LINKED 78; Intellectual disability, X-linked 1; Atkin Flaitz Patil Smith syndrome. Identifiers: Orphanet 777, MedGen C2931498, MONDO:0010656, OMIM 309530.

Allele frequency attached by ClinVar (database versions not stated): gnomAD exomes 0.00003 and 0.00002; TOPMed below 0.00001.
gnomAD v4.1: 31 of 1,176,647 alleles (0.0026%); highest among the groups gnomAD compares: Non-Finnish European, 0.0034%; no homozygotes.

Submissions (5):

Labcorp Genetics (formerly Invitae), Labcorp
Classification: Likely benign for Intellectual developmental disorder, X-linked 1. Last evaluated: 2024-02-16. Review status: criteria provided, single submitter. Criteria: Invitae Variant Classification Sherloc (09022015). Collection method: clinical testing. Allele origin: germline.

Clinical Genetics Laboratory, Skane University Hospital Lund
Classification: Uncertain significance. Last evaluated: 2022-05-27. Review status: criteria provided, single submitter. Criteria: ACMG Guidelines, 2015. Collection method: clinical testing. Allele origin: germline. Affected: yes.

Blueprint Genetics
Classification: Uncertain significance. Last evaluated: 2022-05-25. Review status: criteria provided, single submitter. Criteria: ACMG Guidelines, 2015. Collection method: clinical testing. Allele origin: germline.

Victorian Clinical Genetics Services, Murdoch Childrens Research Institute
Classification: Uncertain significance for Intellectual developmental disorder, X-linked 1. Last evaluated: 2022-02-02. Review status: criteria provided, single submitter. Criteria: ACMG Guidelines, 2015. Collection method: clinical testing. Allele origin: germline. Inheritance: X-linked inheritance.
Comment: Based on the classification scheme VCGS_Germline_v1.3.4, this variant is classified as VUS-3C. Following criteria are met: 0103 - Both loss- and gain-of-function are known mechanism of disease in this gene and are associated with IQSEC2-related intellectual disability (MIM# 309530). Loss of function has been demonstrated as the predominant disease mechanism for this gene, however some missense variants have been shown to impair GTP binding and cause the constitutively active protein activity (PMID: 20473311, PMID: 30842726). (I) 0110 - This gene is associated with X-linked disease. Males present with a severe early-onset condition, whereas females have a more variable phenotype, which tends be milder with a later onset, and they can also be asymptomatic carriers (PMID: 30206421). (I) 0200 - Variant is predicted to result in a missense amino acid change from arginine to glutamine. (I) 0253 - This variant is hemizygous. (I) 0302 - Variant is present in gnomAD (v2) <0.001 for a X-linked condition (2 heterozygotes, 0 homozygotes, 1 hemizygote). (SP) 0502 - Missense variant with conflicting in silico predictions and uninformative conservation. (I) 0600 - Variant is located in the annotated Sec7 domain (DECIPHER). (I) 0705 - No comparable missense variants have previous evidence for pathogenicity. (I) 0809 - Previous evidence of pathogenicity for this variant is inconclusive. This variant has previously been classified as a VUS (ClinVar). (I) 0905 - No published segregation evidence has been identified for this variant. (I) 1007 - No published functional evidence has been identified for this variant. (I) 1208 - Inheritance information for this variant is not currently available in this individual. (I) Legend: (SP) - Supporting pathogenic, (I) - Information, (SB) - Supporting benign

CeGaT Center for Human Genetics Tuebingen
Classification: Uncertain significance. Last evaluated: 2021-09-01. Review status: criteria provided, single submitter. Criteria: CeGaT Center For Human Genetics Tuebingen Variant Classification Criteria Version 2. Collection method: clinical testing. Allele origin: germline. Affected: yes. Observed: 1 variant allele.

Literature cited by the submitters: PubMed 20473311 (cited by Victorian Clinical Genetics Services, Murdoch Childrens Research Institute); PubMed 30206421 (cited by Victorian Clinical Genetics Services, Murdoch Childrens Research Institute); PubMed 30842726 (cited by Victorian Clinical Genetics Services, Murdoch Childrens Research Institute).